The following is an entry in ClinVar:

NM_005859.5(PURA):c.508A>T (p.Ile170Phe)

Gene: PURA (purine rich element binding protein A; plus strand). Cytogenetic location: 5q31.3.
Variant type: single nucleotide variant.
Coding change: c.508A>T on transcript NM_005859.5 (MANE Select); coding-DNA position 508, A replaced by T.
Protein change: p.Ile170Phe; replaces isoleucine 170 with phenylalanine.
Molecular consequence: missense variant.
Genome position (GRCh38, 1-based): chr5:140,114,689, A>T. VCF-style: chr5-140114689-A-T. GRCh37 (hg19) VCF-style: chr5-139494274-A-T.
Other names: short protein forms I170F.
Identifiers: ClinVar variation 1995788 (VCV001995788.5), dbSNP rs2479505478, ClinGen allele CA361490930.
Genomic context (GRCh38, chr5:140,114,689, plus strand): 5'-CGCGAGAACCGCAAGTACTACATGGATCTCAAGGAGAACCAGCGCGGCCGCTTCCTGCGC[A>T]TCCGCCAGACGGTCAACCGGGGGCCTGGCCTGGGCTCCACGCAGGGCCAGACCATTGCGC-3'
Protein context (NP_005850.1, residues 160-180): KENQRGRFLR[Ile170Phe]RQTVNRGPGL

ClinVar aggregate classification (germline): Uncertain significance. Review status: criteria provided, multiple submitters, no conflicts (2 of 4 stars). 2 submissions from 2 submitters: Uncertain significance (2). Last evaluated 2023-06-21.

Conditions:
PURA-related severe neonatal hypotonia-seizures-encephalopathy syndrome (NEDRIHF). Also called: NEURODEVELOPMENTAL DISORDER WITH NEONATAL RESPIRATORY INSUFFICIENCY, HYPOTONIA, AND FEEDING DIFFICULTIES; PURA-Related Neurodevelopmental Disorders. Identifiers: Orphanet 438213, Orphanet 438216, MedGen C4015357, MONDO:1060108, OMIM 616158, MONDO:0018580.

Submissions (2):

GeneDx
Classification: Uncertain significance. Last evaluated: 2023-06-21. Review status: criteria provided, single submitter. Criteria: GeneDx Variant Classification Process June 2021. Collection method: clinical testing. Allele origin: germline. Affected: yes.
Comment: Not observed at significant frequency in large population cohorts (gnomAD); In silico analysis supports that this missense variant has a deleterious effect on protein structure/function; Has not been previously published as pathogenic or benign to our knowledge

Labcorp Genetics (formerly Invitae), Labcorp
Classification: Uncertain significance for PURA-related severe neonatal hypotonia-seizures-encephalopathy syndrome. Last evaluated: 2022-05-17. Review status: criteria provided, single submitter. Criteria: Invitae Variant Classification Sherloc (09022015). Collection method: clinical testing. Allele origin: germline.
Comment: This variant is not present in population databases (gnomAD no frequency). This variant has not been reported in the literature in individuals affected with PURA-related conditions. Algorithms developed to predict the effect of missense changes on protein structure and function are either unavailable or do not agree on the potential impact of this missense change (SIFT: "Deleterious"; PolyPhen-2: "Probably Damaging"; Align-GVGD: "Class C0"). In summary, the available evidence is currently insufficient to determine the role of this variant in disease. Therefore, it has been classified as a Variant of Uncertain Significance. This sequence change replaces isoleucine, which is neutral and non-polar, with phenylalanine, which is neutral and non-polar, at codon 170 of the PURA protein (p.Ile170Phe).